The following is an entry in ClinVar:

ClinVar aggregate classification (germline): Uncertain significance (1 of 4 stars; one submission).

Conditions:
Inborn genetic diseases. Identifiers: MedGen C0950123, MeSH D030342.

Submission:

Ambry Genetics
Classification: Uncertain significance for Inborn genetic diseases. Last evaluated: 2023-08-30. Review status: criteria provided, single submitter. Criteria: Ambry Variant Classification Scheme 2023. Collection method: clinical testing. Allele origin: germline.
Comment: The p.C1770S variant (also known as c.5308T>A), located in coding exon 36 of the LRRK2 gene, results from a T to A substitution at nucleotide position 5308. The cysteine at codon 1770 is replaced by serine, an amino acid with dissimilar properties. This amino acid position is conserved. In addition, this alteration is predicted to be tolerated by in silico analysis. Since supporting evidence is limited at this time, the clinical significance of this alteration remains unclear.

NM_198578.4(LRRK2):c.5308T>A (p.Cys1770Ser)

Gene: LRRK2 (leucine rich repeat kinase 2; plus strand). Cytogenetic location: 12q12.
Variant type: single nucleotide variant.
Coding change: c.5308T>A on transcript NM_198578.4 (MANE Select); coding-DNA position 5308, T replaced by A.
Protein change: p.Cys1770Ser; replaces cysteine 1770 with serine.
Molecular consequence: missense variant.
Genome position (GRCh38, 1-based): chr12:40,322,172, T>A. VCF-style: chr12-40322172-T-A. GRCh37 (hg19) VCF-style: chr12-40715974-T-A.
Other names: short protein forms C1770S.
Identifiers: ClinVar variation 2587297 (VCV002587297.2), dbSNP rs138386040, ClinGen allele CA384420456.